The following is an entry in ClinVar:

NM_001009944.3(PKD1):c.8905C>T (p.Gln2969Ter)

Gene: PKD1 (polycystin 1, transient receptor potential channel interacting; minus strand). Cytogenetic location: 16p13.3.
Variant type: single nucleotide variant.
Coding change: c.8905C>T on transcript NM_001009944.3 (MANE Select); coding-DNA position 8905, C replaced by T.
Protein change: p.Gln2969Ter; replaces glutamine 2969 with a stop codon.
Molecular consequence: nonsense.
Genome position (GRCh38, 1-based): chr16:2,102,857, G>A on the plus strand (C>T on the coding strand, the complement: PKD1 is on the minus strand). VCF-style: chr16-2102857-G-A. GRCh37 (hg19) VCF-style: chr16-2152858-G-A.
Other names: c.8905C>T, p.Gln2969Ter (NM_000296.4); short protein forms Q2969*.
Identifiers: ClinVar variation 440091 (VCV000440091.11), dbSNP rs200520583, ClinGen allele CA394361576.

ClinVar aggregate classification (germline): Pathogenic. Review status: criteria provided, multiple submitters, no conflicts (2 of 4 stars). 4 submissions from 4 submitters: Pathogenic (4). Last evaluated 2026-05-26.

Conditions:
Cystic renal disease.
PKD1-related disorder. Also called: PKD1-related condition.

Submissions (4):

Genetics Laboratory, Great Ormond Street Hospital NHS Foundation Trust, North Thames Genomic Laboratory Hub
Classification: Pathogenic for Cystic renal disease. Last evaluated: 2026-05-26. Review status: criteria provided, single submitter. Criteria: ACGS Best Practice Guidelines for Variant Classification in Rare Disease 2024 v1.2. Collection method: clinical testing. Allele origin: germline. Affected: yes.
Comment: PS4_moderate, PM2_moderate, PVS1_very-strong

GeneDx
Classification: Pathogenic. Last evaluated: 2022-06-08. Review status: criteria provided, single submitter. Criteria: GeneDx Variant Classification Process June 2021. Collection method: clinical testing. Allele origin: germline. Affected: yes.
Comment: Nonsense variant predicted to result in protein truncation or nonsense mediated decay in a gene for which loss of function is a known mechanism of disease; Not observed at significant frequency in large population cohorts (gnomAD); This variant is associated with the following publications: (PMID: 25525159, 12007219, 27165007, 22508176, 30816285)

Blueprint Genetics
Classification: Pathogenic for PKD1-related disorders. Last evaluated: 2021-09-10. Review status: criteria provided, single submitter. Criteria: ACMG Guidelines, 2015. Collection method: clinical testing. Allele origin: germline. Affected: yes. Observed: 1 variant allele.

ARUP Laboratories, Molecular Genetics and Genomics, ARUP Laboratories
Classification: Pathogenic. Last evaluated: 2016-10-26. Review status: criteria provided, single submitter. Criteria: ARUP Molecular Germline Variant Investigation Process. Collection method: clinical testing. Allele origin: germline.